The following is an entry in ClinVar:

ClinVar aggregate classification (germline): Uncertain significance (1 of 4 stars; one submission).

Submission:

Labcorp Genetics (formerly Invitae), Labcorp
Classification: Uncertain significance. Last evaluated: 2024-01-21. Review status: criteria provided, single submitter. Criteria: Invitae Variant Classification Sherloc (09022015). Collection method: clinical testing. Allele origin: germline.
Comment: This sequence change creates a premature translational stop signal (p.Asn673Lysfs*10) in the CHD4 gene. It is expected to result in an absent or disrupted protein product. However, the current clinical and genetic evidence is not sufficient to establish whether loss-of-function variants in CHD4 cause disease. This variant is not present in population databases (gnomAD no frequency). This variant has not been reported in the literature in individuals affected with CHD4-related conditions. In summary, the available evidence is currently insufficient to determine the role of this variant in disease. Therefore, it has been classified as a Variant of Uncertain Significance.

NM_001273.5(CHD4):c.2015_2018dup (p.Asn673fs)

Gene: CHD4 (chromodomain helicase DNA binding protein 4; minus strand). Cytogenetic location: 12p13.31.
Variant type: Duplication.
Coding change: c.2015_2018dup on transcript NM_001273.5 (MANE Select); coding-DNA positions 2015 to 2018, 4 bases duplicated (GGAA; older notation c.2015_2018dupGGAA).
Protein change: p.Asn673fs; shifts the reading frame from asparagine 673.
Molecular consequence: frameshift variant.
Genome position (GRCh38, 1-based): chr12:6,596,012-6,596,015, TTCC duplicated on the plus strand (GGAA on the coding strand, the reverse complement: CHD4 is on the minus strand). VCF-style (leftmost placement, unchanged base first): chr12-6596011-A-ATTCC. GRCh37 (hg19) VCF-style: chr12-6705177-A-ATTCC.
Other names: c.1994_1997dup, p.Asn666fs (NM_001297553.2); c.1976_1979dup, p.Asn660fs (NM_001363606.2); short protein forms N660fs, N666fs, N673fs.
Identifiers: ClinVar variation 2710709 (VCV002710709.3), dbSNP rs2540403613, ClinGen allele CA2697559078.